The following is an entry in ClinVar:

NM_001363540.2(DOCK4):c.4286G>A (p.Arg1429Gln)

Genes: DOCK4 (dedicator of cytokinesis 4; minus strand), LOC126860152 (BRD4-independent group 4 enhancer GRCh37_chr7:111397974-111399173; plus strand). Cytogenetic location: 7q31.1.
Variant type: single nucleotide variant.
Coding change: c.4286G>A on transcript NM_001363540.2 (MANE Select); coding-DNA position 4286, G replaced by A.
Protein change: p.Arg1429Gln; replaces arginine 1429 with glutamine.
Molecular consequence: missense variant.
Genome position (GRCh38, 1-based): chr7:111,758,667, C>T on the plus strand (G>A on the coding strand, the complement: DOCK4 is on the minus strand). VCF-style: chr7-111758667-C-T. GRCh37 (hg19) VCF-style: chr7-111398723-C-T.
Other names: c.4259G>A, p.Arg1420Gln (NM_014705.4); short protein forms R1420Q, R1429Q.
Identifiers: ClinVar variation 2628428 (VCV002628428.1), dbSNP rs1483364539, ClinGen allele CA368953855.
Genomic context (GRCh38, chr7:111,758,667, plus strand): 5'-TAAGAATTGCATGGTACCTTGAATTCATTCTCTTTATCTTTTGTGCCTTTGTGAAATGGT[C>T]GGTCATAGCGGAATTTCCAGATGTGATTCACTTTATAGAAGCTTTTGATGTTGTCCGGAA-3'
Protein context (NP_001350469.1, residues 1419-1439): VNHIWKFRYD[Arg1429Gln]PFHKGTKDKE

ClinVar aggregate classification (germline): Uncertain significance (1 of 4 stars; one submission).

Conditions:
DOCK4-related disorder. Also called: DOCK4-related condition.

Allele frequency attached by ClinVar (database versions not stated): TOPMed below 0.00001.
gnomAD v4.1: 2 of 1,613,904 alleles (0.00012%); highest among the groups gnomAD compares: Non-Finnish European, 0.000085%; no homozygotes.

Submission:

PreventionGenetics, part of Exact Sciences
Classification: Uncertain significance for DOCK4-related condition. Last evaluated: 2023-07-01. Review status: criteria provided, single submitter. Criteria: ACMG Guidelines, 2015. Collection method: clinical testing. Allele origin: germline.
Comment: The DOCK4 c.4286G>A variant is predicted to result in the amino acid substitution p.Arg1429Gln. To our knowledge, this variant has not been reported in the literature. This variant is reported in 0.00089% of alleles in individuals of European (Non-Finnish) descent in gnomAD. At this time, the clinical significance of this variant is uncertain due to the absence of conclusive functional and genetic evidence.